The following is an entry in ClinVar:

ClinVar aggregate classification (germline): Likely benign (1 of 4 stars; one submission).

Conditions:
PHKA1-related disorder. Also called: PHKA1-related condition.

Submission:

PreventionGenetics, part of Exact Sciences
Classification: Likely benign for PHKA1-related condition. Last evaluated: 2024-12-19. Review status: criteria provided, single submitter. Criteria: ACMG Guidelines, 2015. Collection method: clinical testing. Allele origin: germline.
Comment: This variant is classified as likely benign based on ACMG/AMP sequence variant interpretation guidelines (Richards et al. 2015 PMID: 25741868, with internal and published modifications).

NM_002637.4(PHKA1):c.2214C>G (p.Pro738=)

Gene: PHKA1 (phosphorylase kinase regulatory subunit alpha 1; minus strand). Cytogenetic location: Xq13.1.
Variant type: single nucleotide variant.
Coding change: c.2214C>G on transcript NM_002637.4 (MANE Select); coding-DNA position 2214, C replaced by G.
Protein change: p.Pro738=; no amino-acid change (proline 738 retained).
Molecular consequence: synonymous variant.
Genome position (GRCh38, 1-based): chrX:72,619,229, G>C on the plus strand (C>G on the coding strand, the complement: PHKA1 is on the minus strand). VCF-style: chrX-72619229-G-C. GRCh37 (hg19) VCF-style: chrX-71839079-G-C.
Other names: c.2214C>G, p.Pro738= (NM_001122670.2, NM_001431068.1, NM_001440787.1); c.2037C>G, p.Pro679= (NM_001172436.2, NM_001440788.1).
Identifiers: ClinVar variation 5000274 (VCV005000274.1).
Genomic context (GRCh38, chrX:72,619,229, plus strand): 5'-CAGTTTTTCAAAAAGCTAATAGAAATACCTCCTGCACAAATTTACCTGGTTCTCCTGTCG[G>C]GGATGAGGTGAATCAAGTAAGTTGAATGAAGGCCGGGAAGCCTGAAATAACTTCGTAGGA-3'
Protein context (NP_002628.2, residues 728-748): PSFNLLDSPH[Pro738=]RQENQVPSVR